The following is an entry in ClinVar:

GRCh38/hg38 6q21(chr6:106539306-106649299)x1

Genes: CRYBG1 (crystallin beta-gamma domain containing 1; plus strand), QRSL1 (glutaminyl-tRNA amidotransferase subunit QRSL1; plus strand), RTN4IP1 (reticulon 4 interacting protein 1; minus strand), LOC123775393 (Sharpr-MPRA regulatory region 441; plus strand), LOC129389600 (MPRA-validated peak6003 silencer; plus strand) and 2 more. Cytogenetic location: 6q21.
Variant type: copy number loss.
Change: copy number 1 (one copy instead of two) of chr6:106,539,306-106,649,299 (110.0 kb, GRCh38 coordinates, 1-based), cytogenetic band 6q21.
Identifiers: ClinVar variation 2579180 (VCV002579180.1).

ClinVar aggregate classification (germline): Likely pathogenic (1 of 4 stars; one submission).

Conditions:
Optic atrophy 10 with or without ataxia, impaired intellectual development, and seizures. Also called: OPTIC ATROPHY 10 WITH OR WITHOUT ATAXIA, MENTAL RETARDATION, AND SEIZURES; Optic atrophy 10 with or without ataxia, intellectual disability, and seizures. Identifiers: MedGen C4225227, MONDO:0020737, OMIM 616732.

Submission:

Broad Center for Mendelian Genomics, Broad Institute of MIT and Harvard
Classification: Likely pathogenic for Optic atrophy 10 with or without ataxia, impaired intellectual development, and seizures. Last evaluated: 2023-08-24. Review status: criteria provided, single submitter. Criteria: ACMG/ClinGen CNV Guidelines, 2019. Collection method: research. Allele origin: maternal. Inheritance: Autosomal recessive inheritance. Affected: yes.
Comment: A confirmed maternally inherited heterozygous deletion of 5 genes, including RTN4IP1, was identified by exome sequencing in one individual with optic atrophy in the compound heterozygous state, along with a variant of uncertain significance (p.Val88Gly) (Variation ID: 916015), ([GRCh 38] chr6:106539306_106649299x1) (PMID: 33037779). These breakpoints have been estimated by exome sequencing only and therefore may not reflect the true breakpoints. The patient phenotype is nonspecific, but is consistent with cases described in the literature and/or published databases with overlapping variants. There are no known haploinsufficient genes contained within the deleted region, however loss of function of RTN4IP1 is an established disease mechanism in autosomal recessive optic atrophy with or without ataxia, intellectual disability, and seizures. In summary, although additional studies are required to fully establish its clinical significance, this variant is likely pathogenic for autosomal recessive optic atrophy. The ACMG/ClinGen evidence codes and points used in this curation are as follows: 1: 0 points, 2: 0.90 points, 3: 0 points, 4-5: 0.08 points; Total: 0.98 points; Riggs 2020 (PMID: 31690835).

Literature cited by the submitters: PubMed 33037779.